The following is an entry in ClinVar:

NM_004364.5(CEBPA):c.38C>T (p.Pro13Leu)

Genes: CEBPA (CCAAT enhancer binding protein alpha; minus strand), LOC130064183 (ATAC-STARR-seq lymphoblastoid silent region 10495; plus strand). Cytogenetic location: 19q13.11.
Variant type: single nucleotide variant.
Coding change: c.38C>T on transcript NM_004364.5 (MANE Select); coding-DNA position 38, C replaced by T.
Protein change: p.Pro13Leu; replaces proline 13 with leucine.
Molecular consequence: missense variant. On other transcripts: 5 prime UTR variant (2).
Genome position (GRCh38, 1-based): chr19:33,302,377, G>A on the plus strand (C>T on the coding strand, the complement: CEBPA is on the minus strand). VCF-style: chr19-33302377-G-A. GRCh37 (hg19) VCF-style: chr19-33793283-G-A.
Other names: c.-320C>T (NM_001285829.2); c.143C>T, p.Pro48Leu (NM_001287424.2); c.-5C>T (NM_001287435.2); short protein forms P13L, P48L.
Identifiers: ClinVar variation 3831224 (VCV003831224.1).

ClinVar aggregate classification (germline): Uncertain significance (1 of 4 stars; one submission).

Conditions:
Inborn genetic diseases. Identifiers: MedGen C0950123, MeSH D030342.

Submission:

Ambry Genetics
Classification: Uncertain significance for Inborn genetic diseases. Last evaluated: 2025-02-09. Review status: criteria provided, single submitter. Criteria: Ambry Variant Classification Scheme 2023. Collection method: clinical testing. Allele origin: germline.
Comment: The p.P13L variant (also known as c.38C>T), located in coding exon 1 of the CEBPA gene, results from a C to T substitution at nucleotide position 38. The proline at codon 13 is replaced by leucine, an amino acid with similar properties. This amino acid position is conserved. In addition, this alteration is predicted to be tolerated by in silico analysis. Based on the available evidence, the clinical significance of this variant remains unclear.